The following is an entry in ClinVar:

NM_003183.6(ADAM17):c.1274C>T (p.Pro425Leu)

Genes: ADAM17 (ADAM metallopeptidase domain 17; minus strand), IAH1 (isoamyl acetate hydrolyzing esterase 1 (putative); plus strand). Cytogenetic location: 2p25.1.
Variant type: single nucleotide variant.
Coding change: c.1274C>T on transcript NM_003183.6 (MANE Select); coding-DNA position 1274, C replaced by T.
Protein change: p.Pro425Leu; replaces proline 425 with leucine.
Molecular consequence: missense variant.
Genome position (GRCh38, 1-based): chr2:9,510,049, G>A on the plus strand (C>T on the coding strand, the complement: ADAM17 is on the minus strand). VCF-style: chr2-9510049-G-A. GRCh37 (hg19) VCF-style: chr2-9650178-G-A.
Other names: c.614C>T, p.Pro205Leu (NM_001382777.1); c.377C>T, p.Pro126Leu (NM_001382778.1); short protein forms P126L, P205L, P425L.
Identifiers: ClinVar variation 1060528 (VCV001060528.7), dbSNP rs1663648695, ClinGen allele CA345778205.
Genomic context (GRCh38, chr2:9,510,049, plus strand): 5'-TCGTGATCGCCACTCACAGCTATGGGATACATGACATATTTCCCTCCCTGGTCCTCATTC[G>A]GGGCACATTCTGCTAGACCATCCGGATCATGTTCTGCTCCAAAATTATGTCCCAATTCAT-3'
Protein context (NP_003174.3, residues 415-435): HDPDGLAECA[Pro425Leu]NEDQGGKYVM

ClinVar aggregate classification (germline): Uncertain significance (1 of 4 stars; one submission).

Conditions:
Inflammatory skin and bowel disease, neonatal, 1. Identifiers: Orphanet 294023, MedGen C3280501, MONDO:0013693, OMIM 614328.

Allele frequency attached by ClinVar (database versions not stated): gnomAD exomes below 0.00001.
gnomAD v4.1: 4 of 1,614,034 alleles (0.00025%); highest among the groups gnomAD compares: Non-Finnish European, 0.00034%; no homozygotes.

Submission:

Labcorp Genetics (formerly Invitae), Labcorp
Classification: Uncertain significance for Inflammatory skin and bowel disease, neonatal, 1. Last evaluated: 2020-04-12. Review status: criteria provided, single submitter. Criteria: Invitae Variant Classification Sherloc (09022015). Collection method: clinical testing. Allele origin: germline.
Comment: This sequence change replaces proline with leucine at codon 425 of the ADAM17 protein (p.Pro425Leu). The proline residue is highly conserved and there is a moderate physicochemical difference between proline and leucine. This variant is not present in population databases (ExAC no frequency). This variant has not been reported in the literature in individuals with ADAM17-related conditions. Algorithms developed to predict the effect of missense changes on protein structure and function are either unavailable or do not agree on the potential impact of this missense change (SIFT: "Not Available"; PolyPhen-2: "Probably Damaging"; Align-GVGD: "Not Available"). In summary, the available evidence is currently insufficient to determine the role of this variant in disease. Therefore, it has been classified as a Variant of Uncertain Significance.